The following is an entry in ClinVar:

NM_003482.4(KMT2D):c.7829T>C (p.Leu2610Pro)

Gene: KMT2D (lysine methyltransferase 2D; minus strand). Cytogenetic location: 12q13.12.
Variant type: single nucleotide variant.
Coding change: c.7829T>C on transcript NM_003482.4 (MANE Select); coding-DNA position 7829, T replaced by C.
Protein change: p.Leu2610Pro; replaces leucine 2610 with proline.
Molecular consequence: missense variant.
Genome position (GRCh38, 1-based): chr12:49,039,941, A>G on the plus strand (T>C on the coding strand, the complement: KMT2D is on the minus strand). VCF-style: chr12-49039941-A-G. GRCh37 (hg19) VCF-style: chr12-49433724-A-G.
Other names: short protein forms L2610P.
Identifiers: ClinVar variation 281988 (VCV000281988.28), dbSNP rs200998047, ClinGen allele CA6546986.

ClinVar aggregate classification (germline): Conflicting classifications of pathogenicity. Review status: criteria provided, conflicting classifications (1 of 4 stars). 8 submissions from 8 submitters: Uncertain significance (1); Benign (3); Likely benign (3). 1 of the submissions does not count toward it. Last evaluated 2026-01-25.

Conditions:
KMT2D-related disorder. Also called: KMT2D-Related Disorders.
Choanal atresia-athelia-hypothyroidism-delayed puberty-short stature syndrome (BCAHH). Also called: BRANCHIAL ARCH ABNORMALITIES, CHOANAL ATRESIA, ATHELIA, HEARING LOSS, AND HYPOTHYROIDISM SYNDROME. Identifiers: Orphanet 589856, MedGen C5680310, MONDO:0035651, OMIM 620186.
Kabuki syndrome 1 (KABUK1). Also called: KMT2D-Related Kabuki Syndrome. Identifiers: Orphanet 2322, MedGen CN030661, MONDO:0007843, OMIM 147920.
Kabuki syndrome. Also called: NIIKAWA-KUROKI SYNDROME; Kabuki make-up syndrome. Identifiers: Orphanet 2322, MedGen C0796004, MONDO:0016512.

Allele frequency attached by ClinVar (database versions not stated): gnomAD 0.00007; TOPMed 0.00011; gnomAD exomes 0.00012 and 0.00019; ExAC 0.00022; ESP Exome Variant Server 0.00024.
gnomAD v4.1: 191 of 1,613,782 alleles (0.012%); highest among the groups gnomAD compares: Non-Finnish European, 0.012%; no homozygotes.

Submissions (8):

Labcorp Genetics (formerly Invitae), Labcorp
Classification: Benign for Kabuki syndrome. Last evaluated: 2026-01-25. Review status: criteria provided, single submitter. Criteria: Invitae Variant Classification Sherloc (09022015). Collection method: clinical testing. Allele origin: germline.

CeGaT Center for Human Genetics Tuebingen
Classification: Benign. Last evaluated: 2025-10-01. Review status: criteria provided, single submitter. Criteria: CeGaT Center For Human Genetics Tuebingen Variant Classification Criteria Version 2. Collection method: clinical testing. Allele origin: germline. Affected: yes. Observed: 2 variant alleles.
Comment: KMT2D: PP2, BS1, BS2

Laboratory of Genetics, Children's Clinical University Hospital Latvia
Classification: Likely benign. Last evaluated: 2025-02-16. Review status: criteria provided, single submitter. Criteria: ACMG Guidelines, 2015. Collection method: clinical testing. Allele origin: germline. Affected: yes.

Blueprint Genetics
Classification: Likely benign. Last evaluated: 2024-11-20. Review status: criteria provided, single submitter. Criteria: ACMG Guidelines, 2015. Collection method: clinical testing. Allele origin: germline.

GeneDx
Classification: Likely benign. Last evaluated: 2020-12-02. Review status: criteria provided, single submitter. Criteria: GeneDx Variant Classification Process June 2021. Collection method: clinical testing. Allele origin: germline. Affected: yes.
Comment: See Variant Classification Assertion Criteria.

Department of Pathology and Laboratory Medicine, Sinai Health System
Classification: Benign for Kabuki syndrome 1; Choanal atresia-athelia-hypothyroidism-delayed puberty-short stature syndrome. Last evaluated: 2020-06-25. Review status: criteria provided, single submitter. Criteria: ACMG Guidelines, 2015. Collection method: research. Allele origin: germline.

Eurofins Ntd Llc (ga)
Classification: Uncertain significance. Last evaluated: 2015-08-03. Review status: criteria provided, single submitter. Criteria: EGL Classification Definitions 2015. Collection method: clinical testing. Allele origin: germline. Observed: 2 variant alleles, 2 heterozygotes.

PreventionGenetics, part of Exact Sciences
Classification: Uncertain significance for KMT2D-related condition. Last evaluated: 2024-03-05. Review status: no assertion criteria provided. Collection method: clinical testing. Allele origin: germline. Not counted in ClinVar's aggregate classification.
Comment: The KMT2D c.7829T>C variant is predicted to result in the amino acid substitution p.Leu2610Pro. This variant was reported in an individual with Kabuki syndrome (Faundes et al 2019. PubMed ID: 30459467). This variant is reported in 0.12% of alleles in individuals of Ashkenazi Jewish descent in gnomAD. Although we suspect that this variant may be benign, at this time, the clinical significance of this variant is uncertain due to the absence of conclusive functional and genetic evidence.